The following is an entry in ClinVar:

ClinVar aggregate classification (germline): Uncertain significance (1 of 4 stars; one submission).

Allele frequency attached by ClinVar (database versions not stated): TOPMed below 0.00001; gnomAD 0.00001.
gnomAD v4.1: 6 of 1,613,958 alleles (0.00037%); highest among the groups gnomAD compares: African/African-American, 0.008%; no homozygotes.

Submission:

Labcorp Genetics (formerly Invitae), Labcorp
Classification: Uncertain significance. Last evaluated: 2021-12-24. Review status: criteria provided, single submitter. Criteria: Invitae Variant Classification Sherloc (09022015). Collection method: clinical testing. Allele origin: germline.
Comment: This sequence change replaces valine, which is neutral and non-polar, with glycine, which is neutral and non-polar, at codon 107 of the C8B protein (p.Val107Gly). This variant is not present in population databases (gnomAD no frequency). This variant has not been reported in the literature in individuals affected with C8B-related conditions. Algorithms developed to predict the effect of missense changes on protein structure and function (SIFT, PolyPhen-2, Align-GVGD) all suggest that this variant is likely to be tolerated. In summary, the available evidence is currently insufficient to determine the role of this variant in disease. Therefore, it has been classified as a Variant of Uncertain Significance.

NM_000066.4(C8B):c.320T>G (p.Val107Gly)

Gene: C8B (complement C8 beta chain; minus strand). Cytogenetic location: 1p32.2.
Variant type: single nucleotide variant.
Coding change: c.320T>G on transcript NM_000066.4 (MANE Select); coding-DNA position 320, T replaced by G.
Protein change: p.Val107Gly; replaces valine 107 with glycine.
Molecular consequence: missense variant.
Genome position (GRCh38, 1-based): chr1:56,956,840, A>C on the plus strand (T>G on the coding strand, the complement: C8B is on the minus strand). VCF-style: chr1-56956840-A-C. GRCh37 (hg19) VCF-style: chr1-57422513-A-C.
Other names: c.164T>G, p.Val55Gly (NM_001278543.2); c.134T>G, p.Val45Gly (NM_001278544.2); short protein forms V55G, V107G, V45G.
Identifiers: ClinVar variation 2056905 (VCV002056905.4), dbSNP rs1488973181, ClinGen allele CA340510617.
Genomic context (GRCh38, chr1:56,956,840, plus strand): 5'-CACACAAAGCCTTCACATCGCACTTGACTTCCGCATGGTCTGTTGGTAACACAGTCTTCG[A>C]CTTCCTTGTCAGAGAAGTTGCACGGTTCCCCATGGAACTGAGAGGGCTGGAGCAAGTAGG-3'
Protein context (NP_000057.3, residues 97-117): GEPCNFSDKE[Val107Gly]EDCVTNRPCG